The following is an entry in ClinVar:

NM_005334.3(HCFC1):c.2539C>T (p.Arg847Cys)

Gene: HCFC1 (host cell factor C1; minus strand). Cytogenetic location: Xq28.
Variant type: single nucleotide variant.
Coding change: c.2539C>T on transcript NM_005334.3 (MANE Select); coding-DNA position 2539, C replaced by T.
Protein change: p.Arg847Cys; replaces arginine 847 with cysteine.
Molecular consequence: missense variant.
Genome position (GRCh38, 1-based): chrX:153,956,721, G>A on the plus strand (C>T on the coding strand, the complement: HCFC1 is on the minus strand). VCF-style: chrX-153956721-G-A. GRCh37 (hg19) VCF-style: chrX-153222172-G-A.
Other names: c.2539C>T, p.Arg847Cys (NM_001410705.1); short protein forms R847C.
Identifiers: ClinVar variation 3370004 (VCV003370004.2).

ClinVar aggregate classification (germline): Uncertain significance (1 of 4 stars; one submission).

Submission:

GeneDx
Classification: Uncertain significance. Last evaluated: 2026-09-23. Review status: criteria provided, single submitter. Criteria: GeneDx Variant Classification Process June 2021. Collection method: clinical testing. Allele origin: germline.
Comment: Not observed at significant frequency in large population cohorts (gnomAD); In silico analysis supports that this missense variant has a deleterious effect on protein structure/function; Has not been previously published as pathogenic or benign to our knowledge